The following is an entry in ClinVar:

NM_001122752.2(SERPINI1):c.1221C>A (p.Phe407Leu)

Gene: SERPINI1 (serpin family I member 1; plus strand). Cytogenetic location: 3q26.1.
Variant type: single nucleotide variant.
Coding change: c.1221C>A on transcript NM_001122752.2 (MANE Select); coding-DNA position 1221, C replaced by A.
Protein change: p.Phe407Leu; replaces phenylalanine 407 with leucine.
Molecular consequence: missense variant.
Genome position (GRCh38, 1-based): chr3:167,825,311, C>A. VCF-style: chr3-167825311-C-A. GRCh37 (hg19) VCF-style: chr3-167543099-C-A.
Other names: c.1221C>A, p.Phe407Leu (NM_005025.5); short protein forms F407L.
Identifiers: ClinVar variation 534955 (VCV000534955.9), dbSNP rs149238028, ClinGen allele CA87839422.
Genomic context (GRCh38, chr3:167,825,311, plus strand): 5'-AATTCTATTCATGGGACGAGTCATGCATCCTGAAACAATGAACACAAGTGGACATGATTT[C>A]GAAGAACTTTAAGTTACTTTATTTGAATAACAAGGAAAACAGTAACTAAGCACATTATGT-3'
Protein context (NP_001116224.1, residues 397-410): PETMNTSGHD[Phe407Leu]EEL

ClinVar aggregate classification (germline): Uncertain significance. Review status: criteria provided, multiple submitters, no conflicts (2 of 4 stars). 2 submissions from 2 submitters: Uncertain significance (2). Last evaluated 2024-09-03.

Conditions:
Familial encephalopathy with neuroserpin inclusion bodies. Also called: ENCEPHALOPATHY, FAMILIAL, WITH COLLINS BODIES. Identifiers: Orphanet 85110, MedGen C1858680, MONDO:0011412, OMIM 604218.
Inborn genetic diseases. Identifiers: MedGen C0950123, MeSH D030342.

Allele frequency attached by ClinVar (database versions not stated): TOPMed 0.00001; gnomAD 0.00002; ESP Exome Variant Server 0.00008.
gnomAD v4.1: 12 of 1,610,018 alleles (0.00075%); highest among the groups gnomAD compares: African/African-American, 0.004%; no homozygotes.

Submissions (2):

Ambry Genetics
Classification: Uncertain significance for Inborn genetic diseases. Last evaluated: 2024-09-03. Review status: criteria provided, single submitter. Criteria: Ambry Variant Classification Scheme 2023. Collection method: clinical testing. Allele origin: germline.

Labcorp Genetics (formerly Invitae), Labcorp
Classification: Uncertain significance for Familial encephalopathy with neuroserpin inclusion bodies. Last evaluated: 2024-07-06. Review status: criteria provided, single submitter. Criteria: Invitae Variant Classification Sherloc (09022015). Collection method: clinical testing. Allele origin: germline.
Comment: This sequence change replaces phenylalanine, which is neutral and non-polar, with leucine, which is neutral and non-polar, at codon 407 of the SERPINI1 protein (p.Phe407Leu). This variant is present in population databases (rs149238028, gnomAD 0.007%). This variant has not been reported in the literature in individuals affected with SERPINI1-related conditions. ClinVar contains an entry for this variant (Variation ID: 534955). Advanced modeling of protein sequence and biophysical properties (such as structural, functional, and spatial information, amino acid conservation, physicochemical variation, residue mobility, and thermodynamic stability) performed at Invitae indicates that this missense variant is not expected to disrupt SERPINI1 protein function with a negative predictive value of 95%. In summary, the available evidence is currently insufficient to determine the role of this variant in disease. Therefore, it has been classified as a Variant of Uncertain Significance.